The following is an entry in ClinVar:

ClinVar aggregate classification (germline): Uncertain significance. Review status: criteria provided, multiple submitters, no conflicts (2 of 4 stars). 3 submissions from 3 submitters: Uncertain significance (3). Last evaluated 2025-02-27.

Conditions:
Hereditary cancer-predisposing syndrome. Also called: Neoplastic Syndromes, Hereditary; Hereditary neoplastic syndrome; Tumor predisposition; Hereditary Cancer Syndrome. Identifiers: Orphanet 140162, MedGen C0027672, MeSH D009386, MONDO:0015356.

Submissions (3):

Labcorp Genetics (formerly Invitae), Labcorp
Classification: Uncertain significance. Last evaluated: 2025-02-27. Review status: criteria provided, single submitter. Criteria: Invitae Variant Classification Sherloc (09022015). Collection method: clinical testing. Allele origin: germline.
Comment: This sequence change replaces serine, which is neutral and polar, with phenylalanine, which is neutral and non-polar, at codon 2197 of the POLE protein (p.Ser2197Phe). This variant is not present in population databases (gnomAD no frequency). This variant has not been reported in the literature in individuals affected with POLE-related conditions. ClinVar contains an entry for this variant (Variation ID: 619723). Invitae Evidence Modeling of protein sequence and biophysical properties (such as structural, functional, and spatial information, amino acid conservation, physicochemical variation, residue mobility, and thermodynamic stability) indicates that this missense variant is not expected to disrupt POLE protein function with a negative predictive value of 80%. In summary, the available evidence is currently insufficient to determine the role of this variant in disease. Therefore, it has been classified as a Variant of Uncertain Significance.

Ambry Genetics
Classification: Uncertain significance for Hereditary cancer-predisposing syndrome. Last evaluated: 2024-03-02. Review status: criteria provided, single submitter. Criteria: Ambry Variant Classification Scheme 2023. Collection method: clinical testing. Allele origin: germline.
Comment: The p.S2197F variant (also known as c.6590C>T), located in coding exon 47 of the POLE gene, results from a C to T substitution at nucleotide position 6590. The serine at codon 2197 is replaced by phenylalanine, an amino acid with highly dissimilar properties. This amino acid position is conserved. In addition, this alteration is predicted to be tolerated by in silico analysis. Based on the available evidence, the clinical significance of this alteration remains unclear.

Quest Diagnostics Nichols Institute San Juan Capistrano
Classification: Uncertain significance. Last evaluated: 2017-11-22. Review status: criteria provided, single submitter. Criteria: Quest Diagnostics criteria. Collection method: clinical testing. Allele origin: germline.

NM_006231.4(POLE):c.6590C>T (p.Ser2197Phe)

Gene: POLE (DNA polymerase epsilon, catalytic subunit; minus strand). Cytogenetic location: 12q24.33.
Variant type: single nucleotide variant.
Coding change: c.6590C>T on transcript NM_006231.4 (MANE Select); coding-DNA position 6590, C replaced by T.
Protein change: p.Ser2197Phe; replaces serine 2197 with phenylalanine.
Molecular consequence: missense variant.
Genome position (GRCh38, 1-based): chr12:132,625,712, G>A on the plus strand (C>T on the coding strand, the complement: POLE is on the minus strand). VCF-style: chr12-132625712-G-A. GRCh37 (hg19) VCF-style: chr12-133202298-G-A.
Other names: c.6590C>T (NM_006231.2); short protein forms S2197F.
Identifiers: ClinVar variation 619723 (VCV000619723.11), dbSNP rs1489412079, ClinGen allele CA387366685.